The following is an entry in ClinVar:

ClinVar aggregate classification (germline): Uncertain significance. Review status: criteria provided, multiple submitters, no conflicts (2 of 4 stars). 2 submissions from 2 submitters: Uncertain significance (2). Last evaluated 2023-08-30.

Allele frequency attached by ClinVar (database versions not stated): gnomAD exomes 0.00003 and 0.00004; ExAC 0.00004.
gnomAD v4.1: 35 of 1,567,136 alleles (0.0022%); highest among the groups gnomAD compares: Non-Finnish European, 0.0029%; no homozygotes.

Submissions (2):

Blueprint Genetics
Classification: Uncertain significance. Last evaluated: 2023-08-30. Review status: criteria provided, single submitter. Criteria: ACMG Guidelines, 2015. Collection method: clinical testing. Allele origin: germline.

Labcorp Genetics (formerly Invitae), Labcorp
Classification: Uncertain significance. Last evaluated: 2022-06-24. Review status: criteria provided, single submitter. Criteria: Invitae Variant Classification Sherloc (09022015). Collection method: clinical testing. Allele origin: germline.
Comment: This sequence change replaces isoleucine, which is neutral and non-polar, with valine, which is neutral and non-polar, at codon 180 of the PYROXD1 protein (p.Ile180Val). This variant is present in population databases (rs759366164, gnomAD 0.007%). This variant has not been reported in the literature in individuals affected with PYROXD1-related conditions. Algorithms developed to predict the effect of missense changes on protein structure and function are either unavailable or do not agree on the potential impact of this missense change (SIFT: "Deleterious"; PolyPhen-2: "Possibly Damaging"; Align-GVGD: "Class C0"). Algorithms developed to predict the effect of sequence changes on RNA splicing suggest that this variant may disrupt the consensus splice site. In summary, the available evidence is currently insufficient to determine the role of this variant in disease. Therefore, it has been classified as a Variant of Uncertain Significance.

NM_024854.5(PYROXD1):c.538A>G (p.Ile180Val)

Gene: PYROXD1 (pyridine nucleotide-disulphide oxidoreductase domain 1; plus strand). Cytogenetic location: 12p12.1.
Variant type: single nucleotide variant.
Coding change: c.538A>G on transcript NM_024854.5 (MANE Select); coding-DNA position 538, A replaced by G.
Protein change: p.Ile180Val; replaces isoleucine 180 with valine.
Molecular consequence: missense variant. On other transcripts: 5 prime UTR variant (1).
Genome position (GRCh38, 1-based): chr12:21,455,181, A>G. VCF-style: chr12-21455181-A-G. GRCh37 (hg19) VCF-style: chr12-21608115-A-G.
Other names: c.325A>G, p.Ile109Val (NM_001350912.2); c.-240A>G (NM_001350913.2); short protein forms I180V, I109V.
Identifiers: ClinVar variation 1441764 (VCV001441764.6), dbSNP rs759366164, ClinGen allele CA6478253.